The following is an entry in ClinVar:

ClinVar aggregate classification (germline): Pathogenic (1 of 4 stars; one submission).

Conditions:
Hereditary breast ovarian cancer syndrome. Also called: Hereditary breast and ovarian cancer; Hereditary breast and ovarian cancer syndrome; Breast and ovarian cancer; BRCA1- and BRCA2-Associated Hereditary Breast and Ovarian Cancer; Hereditary breast and ovarian cancer syndrome (HBOC); Hereditary breast and/or ovarian cancer syndrome. Identifiers: Orphanet 145, MedGen C0677776, MeSH D061325, MONDO:0003582. Disease mechanism: loss of function.

Submission:

Labcorp Genetics (formerly Invitae), Labcorp
Classification: Pathogenic for Hereditary breast ovarian cancer syndrome. Last evaluated: 2023-02-08. Review status: criteria provided, single submitter. Criteria: Invitae Variant Classification Sherloc (09022015). Collection method: clinical testing. Allele origin: germline.
Comment: This sequence change creates a premature translational stop signal (p.Phe3090Glnfs*10) in the BRCA2 gene. It is expected to result in an absent or disrupted protein product. Loss-of-function variants in BRCA2 are known to be pathogenic (PMID: 20104584). This variant is not present in population databases (gnomAD no frequency). This variant has not been reported in the literature in individuals affected with BRCA2-related conditions. For these reasons, this variant has been classified as Pathogenic.

Literature cited by the submitters: PubMed 20104584.

NM_000059.4(BRCA2):c.9268_9280del (p.Phe3090fs)

Gene: BRCA2 (BRCA2 DNA repair associated; plus strand). Cytogenetic location: 13q13.1.
Variant type: Deletion.
Coding change: c.9268_9280del on transcript NM_000059.4 (MANE Select); coding-DNA positions 9268 to 9280, 13 bases deleted (TTCGTCTATTTGT).
Protein change: p.Phe3090fs; shifts the reading frame from phenylalanine 3090.
Molecular consequence: frameshift variant. On other transcripts: non-coding transcript variant (1).
Genome position (GRCh38, 1-based): chr13:32,394,700-32,394,712, TTCGTCTATTTGT deleted; deleting any 13 consecutive bases within chr13:32,394,699-32,394,712 gives the same sequence; the c. name uses the placement nearest the transcript's 3' end. VCF-style (leftmost placement, unchanged base first): chr13-32394698-CTTTCGTCTATTTG-C. GRCh37 (hg19) VCF-style: chr13-32968835-CTTTCGTCTATTTG-C.
Other names: c.9172_9184del, p.Phe3058fs (NM_001406719.1); c.9217_9229del, p.Phe3073fs (NM_001406720.1); c.4336_4348del, p.Phe1446fs (NM_001406721.1); c.2851_2863del, p.Phe951fs (NM_001406722.1); short protein forms F3058fs, F951fs, F1446fs, F3090fs, F3073fs.
Identifiers: ClinVar variation 2814183 (VCV002814183.3), dbSNP rs2548561959, ClinGen allele CA2739277528.